The following is an entry in ClinVar:

NM_001042492.3(NF1):c.5034T>A (p.Tyr1678Ter)

Gene: NF1 (neurofibromin 1; plus strand). Cytogenetic location: 17q11.2.
Variant type: single nucleotide variant.
Coding change: c.5034T>A on transcript NM_001042492.3 (MANE Select); coding-DNA position 5034, T replaced by A.
Protein change: p.Tyr1678Ter; replaces tyrosine 1678 with a stop codon.
Molecular consequence: nonsense.
Genome position (GRCh38, 1-based): chr17:31,326,018, T>A. VCF-style: chr17-31326018-T-A. GRCh37 (hg19) VCF-style: chr17-29653036-T-A.
Other names: c.4971T>A, p.Tyr1657Ter (NM_000267.4); short protein forms Y1657*, Y1678*.
Identifiers: ClinVar variation 2000211 (VCV002000211.4), dbSNP rs2069331323, ClinGen allele CA399007360.

ClinVar aggregate classification (germline): Pathogenic (1 of 4 stars; one submission).

Conditions:
Neurofibromatosis, type 1 (NF1). Also called: Neurofibromatosis, type I; Peripheral type neurofibromatosis; NEUROFIBROMATOSIS, TYPE I, SOMATIC; VON RECKLINGHAUSEN DISEASE. Identifiers: Orphanet 636, MedGen C0027831, MONDO:0018975, OMIM 162200. Disease mechanism: loss of function.

Submission:

Labcorp Genetics (formerly Invitae), Labcorp
Classification: Pathogenic for Neurofibromatosis, type 1. Last evaluated: 2022-05-29. Review status: criteria provided, single submitter. Criteria: Invitae Variant Classification Sherloc (09022015). Collection method: clinical testing. Allele origin: germline.
Comment: This sequence change creates a premature translational stop signal (p.Tyr1657*) in the NF1 gene. It is expected to result in an absent or disrupted protein product. Loss-of-function variants in NF1 are known to be pathogenic (PMID: 10712197, 23913538). This variant is not present in population databases (gnomAD no frequency). This variant has not been reported in the literature in individuals affected with NF1-related conditions. For these reasons, this variant has been classified as Pathogenic.

Literature cited by the submitters: PubMed 10712197; PubMed 23913538.